The following is an entry in ClinVar:

ClinVar aggregate classification (germline): Conflicting classifications of pathogenicity. Review status: criteria provided, conflicting classifications (1 of 4 stars). 3 submissions from 3 submitters: Likely pathogenic (1); Uncertain significance (2). Last evaluated 2026-03-31.

Allele frequency attached by ClinVar (database versions not stated): gnomAD exomes below 0.00001 and 0.00001; ExAC 0.00001; 1000 Genomes Project 30x 0.00016; 1000 Genomes Project 0.00020.
gnomAD v4.1: 2 of 1,612,476 alleles (0.00012%); highest among the groups gnomAD compares: Admixed American, 0.0033%; no homozygotes.

Submissions (3):

Women's Health and Genetics/Laboratory Corporation of America, LabCorp
Classification: Uncertain significance. Last evaluated: 2026-03-31. Review status: criteria provided, single submitter. Criteria: LabCorp Variant Classification Summary - May 2015. Collection method: clinical testing. Allele origin: germline.
Comment: Variant summary: CAD c.172G>C (p.Gly58Arg) results in a non-conservative amino acid change in the encoded protein sequence. Algorithms developed to predict the effect of missense changes on protein structure and function all suggest that this variant is likely to be disruptive. The variant allele was found at a frequency of 8e-06 in 249656 control chromosomes. The available data on variant occurrences in the general population are insufficient to allow any conclusion about variant significance. To our knowledge, no occurrence of c.172G>C in individuals affected with CAD-related conditions and no experimental evidence demonstrating its impact on protein function have been reported. ClinVar contains an entry for this variant (Variation ID: 1369170). Based on the evidence outlined above, the variant was classified as uncertain significance.

GeneDx
Classification: Likely pathogenic. Last evaluated: 2025-02-05. Review status: criteria provided, single submitter. Criteria: GeneDx Variant Classification Process June 2021. Collection method: clinical testing. Allele origin: germline.
Comment: Not observed at significant frequency in large population cohorts (gnomAD); In silico analysis supports that this missense variant has a deleterious effect on protein structure/function; Has not been previously published as pathogenic or benign to our knowledge

Labcorp Genetics (formerly Invitae), Labcorp
Classification: Uncertain significance. Last evaluated: 2022-08-22. Review status: criteria provided, single submitter. Criteria: Invitae Variant Classification Sherloc (09022015). Collection method: clinical testing. Allele origin: germline.
Comment: This sequence change replaces glycine, which is neutral and non-polar, with arginine, which is basic and polar, at codon 58 of the CAD protein (p.Gly58Arg). This variant is present in population databases (rs201445071, gnomAD 0.006%). This variant has not been reported in the literature in individuals affected with CAD-related conditions. ClinVar contains an entry for this variant (Variation ID: 1369170). Algorithms developed to predict the effect of missense changes on protein structure and function are either unavailable or do not agree on the potential impact of this missense change (SIFT: "Deleterious"; PolyPhen-2: "Probably Damaging"; Align-GVGD: "Class C0"). In summary, the available evidence is currently insufficient to determine the role of this variant in disease. Therefore, it has been classified as a Variant of Uncertain Significance.

NM_004341.5(CAD):c.172G>C (p.Gly58Arg)

Gene: CAD (carbamoyl-phosphate synthetase 2, aspartate transcarbamylase, and dihydroorotase; plus strand). Cytogenetic location: 2p23.3.
Variant type: single nucleotide variant.
Coding change: c.172G>C on transcript NM_004341.5 (MANE Select); coding-DNA position 172, G replaced by C.
Protein change: p.Gly58Arg; replaces glycine 58 with arginine.
Molecular consequence: missense variant.
Genome position (GRCh38, 1-based): chr2:27,217,966, G>C. VCF-style: chr2-27217966-G-C. GRCh37 (hg19) VCF-style: chr2-27440834-G-C.
Other names: c.172G>C, p.Gly58Arg (NM_001306079.2); c.172G>C (NM_004341.3); short protein forms G58R.
Identifiers: ClinVar variation 1369170 (VCV001369170.8), dbSNP rs201445071, ClinGen allele CA1572342.